The following is an entry in ClinVar:

ClinVar aggregate classification (germline): Uncertain significance (1 of 4 stars; one submission).

Conditions:
Congenital disorder of glycosylation type Ir (CDG1R). Also called: DDOST-congenital disorder of glycosylation. Identifiers: Orphanet 300536, MedGen C3281084, MONDO:0013789, OMIM 614507.

Submission:

Labcorp Genetics (formerly Invitae), Labcorp
Classification: Uncertain significance for Congenital disorder of glycosylation type Ir. Last evaluated: 2025-01-29. Review status: criteria provided, single submitter. Criteria: Invitae Variant Classification Sherloc (09022015). Collection method: clinical testing. Allele origin: germline.
Comment: This sequence change replaces aspartic acid, which is acidic and polar, with asparagine, which is neutral and polar, at codon 351 of the DDOST protein (p.Asp351Asn). This variant is present in population databases (rs773138274, gnomAD 0.006%). This variant has not been reported in the literature in individuals affected with DDOST-related conditions. Invitae Evidence Modeling of protein sequence and biophysical properties (such as structural, functional, and spatial information, amino acid conservation, physicochemical variation, residue mobility, and thermodynamic stability) indicates that this missense variant is not expected to disrupt DDOST protein function with a negative predictive value of 80%. In summary, the available evidence is currently insufficient to determine the role of this variant in disease. Therefore, it has been classified as a Variant of Uncertain Significance.

NM_005216.5(DDOST):c.1000G>A (p.Asp334Asn)

Gene: DDOST (dolichyl-diphosphooligosaccharide--protein glycosyltransferase non-catalytic subunit; minus strand). Cytogenetic location: 1p36.12.
Variant type: single nucleotide variant.
Coding change: c.1000G>A on transcript NM_005216.5 (MANE Select); coding-DNA position 1000, G replaced by A.
Protein change: p.Asp334Asn; replaces aspartic acid 334 with asparagine.
Molecular consequence: missense variant.
Genome position (GRCh38, 1-based): chr1:20,652,914, C>T on the plus strand (G>A on the coding strand, the complement: DDOST is on the minus strand). VCF-style: chr1-20652914-C-T. GRCh37 (hg19) VCF-style: chr1-20979407-C-T.
Other names: short protein forms D334N.
Identifiers: ClinVar variation 3635606 (VCV003635606.2).